The following is an entry in ClinVar:

ClinVar aggregate classification (germline): Uncertain significance. Review status: criteria provided, multiple submitters, no conflicts (2 of 4 stars). 2 submissions from 2 submitters: Uncertain significance (2). Last evaluated 2024-03-07.

Conditions:
Donnai-Barrow syndrome. Also called: DBS/FOAR SYNDROME; FACIOOCULOACOUSTICORENAL SYNDROME. Identifiers: Orphanet 2143, MedGen C1857277, MONDO:0009104, OMIM 222448.

Allele frequency attached by ClinVar (database versions not stated): gnomAD exomes below 0.00001.

Submissions (2):

Fulgent Genetics
Classification: Uncertain significance for Donnai-Barrow syndrome. Last evaluated: 2024-03-07. Review status: criteria provided, single submitter. Criteria: ACMG Guidelines, 2015. Collection method: clinical testing. Allele origin: germline.

Labcorp Genetics (formerly Invitae), Labcorp
Classification: Uncertain significance. Last evaluated: 2022-05-03. Review status: criteria provided, single submitter. Criteria: Invitae Variant Classification Sherloc (09022015). Collection method: clinical testing. Allele origin: germline.
Comment: This sequence change replaces glycine, which is neutral and non-polar, with serine, which is neutral and polar, at codon 908 of the LRP2 protein (p.Gly908Ser). This variant is not present in population databases (gnomAD no frequency). This variant has not been reported in the literature in individuals affected with LRP2-related conditions. Advanced modeling of protein sequence and biophysical properties (such as structural, functional, and spatial information, amino acid conservation, physicochemical variation, residue mobility, and thermodynamic stability) performed at Invitae indicates that this missense variant is not expected to disrupt LRP2 protein function. In summary, the available evidence is currently insufficient to determine the role of this variant in disease. Therefore, it has been classified as a Variant of Uncertain Significance.

NM_004525.3(LRP2):c.2722G>A (p.Gly908Ser)

Gene: LRP2 (LDL receptor related protein 2; minus strand). Cytogenetic location: 2q31.1.
Variant type: single nucleotide variant.
Coding change: c.2722G>A on transcript NM_004525.3 (MANE Select); coding-DNA position 2722, G replaced by A.
Protein change: p.Gly908Ser; replaces glycine 908 with serine.
Molecular consequence: missense variant.
Genome position (GRCh38, 1-based): chr2:169,256,154, C>T on the plus strand (G>A on the coding strand, the complement: LRP2 is on the minus strand). VCF-style: chr2-169256154-C-T. GRCh37 (hg19) VCF-style: chr2-170112664-C-T.
Other names: short protein forms G908S.
Identifiers: ClinVar variation 2133127 (VCV002133127.2), dbSNP rs2528424006, ClinGen allele CA349155395.
Genomic context (GRCh38, chr2:169,256,154, plus strand): 5'-TTTAAAACATACCTCCAAAGATGGCAAGTCCAAACGGATGTGTCATCTGCTCTATATGGC[C>T]CAGTCTTCTTCTGTCTAAACCATCAAAGGTGCTGTGCTCAATTTTATCAAAATAGGCATC-3'
Protein context (NP_004516.2, residues 898-918): TFDGLDRRRL[Gly908Ser]HIEQMTHPFG